The following is an entry in ClinVar:

NM_015100.4(POGZ):c.1471G>A (p.Ala491Thr)

Gene: POGZ (pogo transposable element derived with ZNF domain; minus strand). Cytogenetic location: 1q21.3.
Variant type: single nucleotide variant.
Coding change: c.1471G>A on transcript NM_015100.4 (MANE Select); coding-DNA position 1471, G replaced by A.
Protein change: p.Ala491Thr; replaces alanine 491 with threonine.
Molecular consequence: missense variant.
Genome position (GRCh38, 1-based): chr1:151,424,001, C>T on the plus strand (G>A on the coding strand, the complement: POGZ is on the minus strand). VCF-style: chr1-151424001-C-T. GRCh37 (hg19) VCF-style: chr1-151396477-C-T.
Other names: c.1444G>A, p.Ala482Thr (NM_001194937.2); c.1285G>A, p.Ala429Thr (NM_001194938.2); c.1492G>A, p.Ala498Thr (NM_001410860.1); c.1186G>A, p.Ala396Thr (NM_145796.4); c.1312G>A, p.Ala438Thr (NM_207171.2); short protein forms A396T, A429T, A438T, A482T, A491T, A498T.
Identifiers: ClinVar variation 2326830 (VCV002326830.4), dbSNP rs762814745, ClinGen allele CA1091437.
Genomic context (GRCh38, chr1:151,424,001, plus strand): 5'-ACACTTACCGAATATTGTTTTTTAGCCTTTTGGTACAATGTGGGCATCGGAAAGATGTGG[C>T]GACCTTAGGGAAATTTGTGAGCTGGGCTACTTTGCCACCATCCCGTCCATAGTAGAAGTC-3'
Protein context (NP_055915.2, residues 481-501): VAQLTNFPKV[Ala491Thr]TSFRCPHCTK

ClinVar aggregate classification (germline): Uncertain significance. Review status: criteria provided, multiple submitters, no conflicts (2 of 4 stars). 2 submissions from 2 submitters: Uncertain significance (2). Last evaluated 2025-06-29.

Conditions:
Inborn genetic diseases. Identifiers: MedGen C0950123, MeSH D030342.

Allele frequency attached by ClinVar (database versions not stated): ExAC 0.00001; gnomAD exomes below 0.00001; TOPMed 0.00002; gnomAD 0.00004.
gnomAD v4.1: 11 of 1,614,002 alleles (0.00068%); highest among the groups gnomAD compares: Admixed American, 0.0033%; no homozygotes.

Submissions (2):

Dasa
Classification: Uncertain significance. Last evaluated: 2025-06-29. Review status: criteria provided, single submitter. Criteria: DASA Assertion Criteria. Collection method: clinical testing. Allele origin: germline.
Comment: NM_015100.4(POGZ):c.1471G>A (p.Ala491Thr) is a missense variant that results in the substitution of alanine with threonine. This variant is rare in population databases. Computational prediction algorithms are consistent with a benign effect. The currently available literature and clinical evidence are not sufficient to establish a definitive association between this variant and the reported condition. Therefore, this variant is classified as a variant of uncertain significance.

Ambry Genetics
Classification: Uncertain significance for Inborn genetic diseases. Last evaluated: 2022-11-17. Review status: criteria provided, single submitter. Criteria: Ambry Variant Classification Scheme 2023. Collection method: clinical testing. Allele origin: germline.